The following is an entry in ClinVar:

ClinVar aggregate classification (germline): Uncertain significance (1 of 4 stars; one submission).

Conditions:
UCP2-related disorder. Also called: UCP2-related condition.

Submission:

PreventionGenetics, part of Exact Sciences
Classification: Uncertain significance for UCP2-related condition. Last evaluated: 2024-12-18. Review status: criteria provided, single submitter. Criteria: ACMG Guidelines, 2015. Collection method: clinical testing. Allele origin: germline.
Comment: The UCP2 c.155G>A variant is predicted to result in the amino acid substitution p.Arg52His. To our knowledge, this variant has not been reported in the literature. This variant is reported in 0.010% of alleles in individuals of European (Non-Finnish) descent in gnomAD. At this time, the clinical significance of this variant is uncertain due to the absence of conclusive functional and genetic evidence.

NM_003355.3(UCP2):c.155G>A (p.Arg52His)

Gene: UCP2 (uncoupling protein 2; minus strand). Cytogenetic location: 11q13.4.
Variant type: single nucleotide variant.
Coding change: c.155G>A on transcript NM_003355.3 (MANE Select); coding-DNA position 155, G replaced by A.
Protein change: p.Arg52His; replaces arginine 52 with histidine.
Molecular consequence: missense variant.
Genome position (GRCh38, 1-based): chr11:73,978,068, C>T on the plus strand (G>A on the coding strand, the complement: UCP2 is on the minus strand). VCF-style: chr11-73978068-C-T. GRCh37 (hg19) VCF-style: chr11-73689113-C-T.
Other names: c.155G>A, p.Arg52His (NM_001381943.1, NM_001381944.1, NM_001381945.1 and 4 more transcripts); short protein forms R52H.
Identifiers: ClinVar variation 4987439 (VCV004987439.1).
Genomic context (GRCh38, chr11:73,978,068, plus strand): 5'-GTACGCACCATGGTCAGAATGGTGCCCATCACACCGCGGTACTGGGCGCTGGCTGTAGCG[C>T]GCACTGGCCCCTGACTTTCTCCTTGGATCTGCAAGGCCAAGACAGGGTAGCTACAGGGAT-3'
Protein context (NP_003346.2, residues 42-62): QIQGESQGPV[Arg52His]ATASAQYRGV